The following is an entry in ClinVar:

NM_001003841.3(SLC6A19):c.1297_1300del (p.Phe433fs)

Gene: SLC6A19 (solute carrier family 6 member 19; plus strand). Cytogenetic location: 5p15.33.
Variant type: Deletion.
Coding change: c.1297_1300del on transcript NM_001003841.3 (MANE Select); coding-DNA positions 1297 to 1300, 4 bases deleted (TTTG; older notation c.1297_1300delTTTG).
Protein change: p.Phe433fs; shifts the reading frame from phenylalanine 433.
Molecular consequence: frameshift variant.
Genome position (GRCh38, 1-based): chr5:1,219,026-1,219,029, TTTG deleted; deleting any 4 consecutive bases within chr5:1,219,024-1,219,029 gives the same sequence; the c. name uses the placement nearest the transcript's 3' end. VCF-style (leftmost placement, unchanged base first): chr5-1219023-ATGTT-A. GRCh37 (hg19) VCF-style: chr5-1219138-ATGTT-A.
Other names: short protein forms F433fs.
Identifiers: ClinVar variation 2088953 (VCV002088953.4), dbSNP rs2477956659, ClinGen allele CA2580071929.

ClinVar aggregate classification (germline): Pathogenic (1 of 4 stars; one submission).

Submission:

Labcorp Genetics (formerly Invitae), Labcorp
Classification: Pathogenic. Last evaluated: 2022-04-11. Review status: criteria provided, single submitter. Criteria: Invitae Variant Classification Sherloc (09022015). Collection method: clinical testing. Allele origin: germline.
Comment: This sequence change creates a premature translational stop signal (p.Phe433Glyfs*42) in the SLC6A19 gene. It is expected to result in an absent or disrupted protein product. Loss-of-function variants in SLC6A19 are known to be pathogenic (PMID: 15286787, 15286788). For these reasons, this variant has been classified as Pathogenic. This variant has not been reported in the literature in individuals affected with SLC6A19-related conditions. This variant is not present in population databases (gnomAD no frequency).

Literature cited by the submitters: PubMed 15286787; PubMed 15286788.